The following is an entry in ClinVar:

NM_001349206.2(LPIN1):c.695C>T (p.Ser232Leu)

Gene: LPIN1 (lipin 1; plus strand). Cytogenetic location: 2p25.1.
Variant type: single nucleotide variant.
Coding change: c.695C>T on transcript NM_001349206.2 (MANE Select); coding-DNA position 695, C replaced by T.
Protein change: p.Ser232Leu; replaces serine 232 with leucine.
Molecular consequence: missense variant. On other transcripts: non-coding transcript variant (1).
Genome position (GRCh38, 1-based): chr2:11,773,718, C>T. VCF-style: chr2-11773718-C-T. GRCh37 (hg19) VCF-style: chr2-11913844-C-T.
Other names: c.695C>T (NM_145693.1); c.713C>T, p.Ser238Leu (NM_001261427.3); c.842C>T, p.Ser281Leu (NM_001261428.3, NM_001349208.2); c.695C>T, p.Ser232Leu (NM_001349199.2, NM_001349200.2, NM_001349201.2 and 5 more transcripts); c.785C>T, p.Ser262Leu (NM_001349207.2); short protein forms S232L, S281L, S238L, S262L.
Identifiers: ClinVar variation 330910 (VCV000330910.10), dbSNP rs568970987, ClinGen allele CA1533485.

ClinVar aggregate classification (germline): Uncertain significance. Review status: criteria provided, multiple submitters, no conflicts (2 of 4 stars). 3 submissions from 3 submitters: Uncertain significance (3). Last evaluated 2025-12-09.

Conditions:
Inborn genetic diseases. Identifiers: MedGen C0950123, MeSH D030342.
Myoglobinuria, acute recurrent, autosomal recessive. Also called: MYOGLOBINURIA, FAMILIAL PAROXYSMAL PARALYTIC; RHABDOMYOLYSIS, ACUTE RECURRENT; Myoglobinuria, recurrent, autosomal recessive. Identifiers: Orphanet 99845, MedGen C1849386, MONDO:0009992, OMIM 268200.

Allele frequency attached by ClinVar (database versions not stated): gnomAD 0.00001 and 0.00003; gnomAD exomes 0.00001 and 0.00004; TOPMed 0.00002; ExAC 0.00005; 1000 Genomes Project 30x 0.00047; 1000 Genomes Project 0.00060.
gnomAD v4.1: 25 of 1,614,046 alleles (0.0015%); highest among the groups gnomAD compares: East Asian, 0.033%; no homozygotes.

Submissions (3):

Ambry Genetics
Classification: Uncertain significance for Inborn genetic diseases. Last evaluated: 2025-12-09. Review status: criteria provided, single submitter. Criteria: Ambry Variant Classification Scheme 2023. Collection method: clinical testing. Allele origin: germline.

Labcorp Genetics (formerly Invitae), Labcorp
Classification: Uncertain significance. Last evaluated: 2022-07-11. Review status: criteria provided, single submitter. Criteria: Invitae Variant Classification Sherloc (09022015). Collection method: clinical testing. Allele origin: germline.
Comment: This sequence change replaces serine, which is neutral and polar, with leucine, which is neutral and non-polar, at codon 232 of the LPIN1 protein (p.Ser232Leu). This variant is present in population databases (rs568970987, gnomAD 0.04%). This variant has not been reported in the literature in individuals affected with LPIN1-related conditions. ClinVar contains an entry for this variant (Variation ID: 330910). Algorithms developed to predict the effect of missense changes on protein structure and function are either unavailable or do not agree on the potential impact of this missense change (SIFT: "Deleterious"; PolyPhen-2: "Possibly Damaging"; Align-GVGD: "Class C0"). In summary, the available evidence is currently insufficient to determine the role of this variant in disease. Therefore, it has been classified as a Variant of Uncertain Significance.

Illumina Laboratory Services, Illumina
Classification: Uncertain significance for Myoglobinuria, acute recurrent, autosomal recessive. Last evaluated: 2018-01-13. Review status: criteria provided, single submitter. Criteria: ICSL Variant Classification Criteria 13 December 2019. Collection method: clinical testing. Allele origin: germline.